The following is an entry in ClinVar:

NM_018699.4(PRDM5):c.11T>G (p.Met4Arg)

Gene: PRDM5 (PR/SET domain 5; minus strand). Cytogenetic location: 4q27.
Variant type: single nucleotide variant.
Coding change: c.11T>G on transcript NM_018699.4 (MANE Select); coding-DNA position 11, T replaced by G.
Protein change: p.Met4Arg; replaces methionine 4 with arginine.
Molecular consequence: missense variant.
Genome position (GRCh38, 1-based): chr4:120,922,598, A>C on the plus strand (T>G on the coding strand, the complement: PRDM5 is on the minus strand). VCF-style: chr4-120922598-A-C. GRCh37 (hg19) VCF-style: chr4-121843753-A-C.
Other names: c.11T>G (NM_018699.3); c.11T>G, p.Met4Arg (NM_001300823.2, NM_001300824.2, NM_001379104.1 and 1 more transcripts); short protein forms M4R.
Identifiers: ClinVar variation 2132841 (VCV002132841.5), dbSNP rs1002440008, ClinGen allele CA358209979.

ClinVar aggregate classification (germline): Uncertain significance (1 of 4 stars; one submission).

Conditions:
Brittle cornea syndrome 2 (BCS2). Identifiers: Orphanet 90354, MedGen C3280011, MONDO:0013605, OMIM 614170.

gnomAD v4.1: 1 of 1,607,036 alleles (0.000062%); highest among the groups gnomAD compares: Non-Finnish European, 0.000085%; no homozygotes.

Submission:

Labcorp Genetics (formerly Invitae), Labcorp
Classification: Uncertain significance. Last evaluated: 2024-04-29. Review status: criteria provided, single submitter. Criteria: Invitae Variant Classification Sherloc (09022015). Collection method: clinical testing. Allele origin: germline.
Comment: This sequence change replaces methionine, which is neutral and non-polar, with arginine, which is basic and polar, at codon 4 of the PRDM5 protein (p.Met4Arg). This variant is not present in population databases (gnomAD no frequency). This variant has not been reported in the literature in individuals affected with PRDM5-related conditions. ClinVar contains an entry for this variant (Variation ID: 2132841). An algorithm developed to predict the effect of missense changes on protein structure and function (PolyPhen-2) suggests that this variant is likely to be disruptive. Algorithms developed to predict the effect of sequence changes on RNA splicing suggest that this variant may create or strengthen a splice site. In summary, the available evidence is currently insufficient to determine the role of this variant in disease. Therefore, it has been classified as a Variant of Uncertain Significance.